The following is an entry in ClinVar:

NC_000016.10:g.72811905C>G

Genes: ZFHX3 (zinc finger homeobox 3; minus strand), ZFHX3-AS1 (ZFHX3 antisense RNA 1; plus strand). Cytogenetic location: 16q22.3.
Variant type: single nucleotide variant.
Molecular consequence: missense variant (on NM_006885.4).
Genome position: GRCh38 VCF-style: chr16-72811905-C-G. GRCh37 (hg19) VCF-style: chr16-72845804-C-G.
Other names: NR_171704.1:n.348-8868C>G; c.921G>C, p.Gln307His (NM_001164766.2); c.3663G>C, p.Gln1221His (NM_001386735.1, NM_006885.4); short protein forms Q1221H, Q307H.
Identifiers: ClinVar variation 2674597 (VCV002674597.1), dbSNP rs2507489522, ClinGen allele CA396742578.

ClinVar aggregate classification (germline): Uncertain significance (1 of 4 stars; one submission).

Conditions:
Intellectual disability. Also called: Intellectual functioning disability; intellectual disabilities; Intellectual developmental disorder. Identifiers: MedGen C3714756, MeSH D008607, MONDO:0001071, HP:0001249.

Submission:

Broad Center for Mendelian Genomics, Broad Institute of MIT and Harvard
Classification: Uncertain significance for Intellectual disability. Last evaluated: 2023-12-21. Review status: criteria provided, single submitter. Criteria: ACMG Guidelines, 2015. Collection method: curation. Allele origin: germline. Study: GREGoR Consortium.
Comment: While this gene is still lacking sufficient evidence to establish a gene-disease relationship, we believe this is a possible novel gene candidate for intellectual disability and autism. Given the limited information about this gene-disease relationship, the significance of the p.Gln1221His variant is uncertain. If you have any additional information about functional evidence or other individuals with this phenotype that also have variants in ZFHX3 we encourage you to reach out to us.